The following is an entry in ClinVar:

NM_000051.4(ATM):c.4143T>G (p.Phe1381Leu)

Gene: ATM (ATM serine/threonine kinase; plus strand). Cytogenetic location: 11q22.3.
Variant type: single nucleotide variant.
Coding change: c.4143T>G on transcript NM_000051.4 (MANE Select); coding-DNA position 4143, T replaced by G.
Protein change: p.Phe1381Leu; replaces phenylalanine 1381 with leucine.
Molecular consequence: missense variant.
Genome position (GRCh38, 1-based): chr11:108,289,010, T>G. VCF-style: chr11-108289010-T-G. GRCh37 (hg19) VCF-style: chr11-108159737-T-G.
Other names: c.4143T>G, p.Phe1381Leu (NM_001351834.2); short protein forms F1381L.
Identifiers: ClinVar variation 1004996 (VCV001004996.8), dbSNP rs2082640762, ClinGen allele CA382529943.

ClinVar aggregate classification (germline): Uncertain significance (1 of 4 stars; one submission).

Conditions:
Ataxia-telangiectasia syndrome (AT). Also called: Ataxia-telangiectasia, complementation group D; AT, COMPLEMENTATION GROUP C; ATAXIA-TELANGIECTASIA, COMPLEMENTATION GROUP A; ATAXIA-TELANGIECTASIA, FRESNO VARIANT; Ataxia-telangiectasia; Cerebello-oculocutaneous telangiectasia. Identifiers: Orphanet 100, MedGen C0004135, MONDO:0008840, OMIM 208900.

Submission:

Labcorp Genetics (formerly Invitae), Labcorp
Classification: Uncertain significance for Ataxia-telangiectasia syndrome. Last evaluated: 2020-06-16. Review status: criteria provided, single submitter. Criteria: Invitae Variant Classification Sherloc (09022015). Collection method: clinical testing. Allele origin: germline.
Comment: In summary, the available evidence is currently insufficient to determine the role of this variant in disease. Therefore, it has been classified as a Variant of Uncertain Significance. Algorithms developed to predict the effect of missense changes on protein structure and function are either unavailable or do not agree on the potential impact of this missense change (SIFT: "Deleterious"; PolyPhen-2: "Possibly Damaging"; Align-GVGD: "Class C15"). This variant has not been reported in the literature in individuals with ATM-related conditions. This variant is not present in population databases (ExAC no frequency). This sequence change replaces phenylalanine with leucine at codon 1381 of the ATM protein (p.Phe1381Leu). The phenylalanine residue is highly conserved and there is a small physicochemical difference between phenylalanine and leucine.